The following is an entry in ClinVar:

NM_152419.3(HGSNAT):c.1464+1del

Gene: HGSNAT (heparan-alpha-glucosaminide N-acetyltransferase; plus strand). Cytogenetic location: 8p11.21.
Variant type: Deletion.
Coding change: c.1464+1del on transcript NM_152419.3 (MANE Select); the canonical splice donor site of the intron after coding-DNA position 1464, one base deleted (G; older notation c.1464+1delG).
Molecular consequence: splice donor variant.
Genome position (GRCh38, 1-based): chr8:43,193,844, G deleted; the last of 2 consecutive G bases (chr8:43,193,843-43,193,844); deleting either gives the same sequence. VCF-style (leftmost placement, unchanged base first): chr8-43193842-AG-A. GRCh37 (hg19) VCF-style: chr8-43048985-AG-A.
Other names: c.1464+1del (NM_001363227.2); c.600+1del (NM_001363229.2); c.1272+1del (NM_001363228.2).
Identifiers: ClinVar variation 1453457 (VCV001453457.6), dbSNP rs2130810933, ClinGen allele CA2573143123.
Genomic context (GRCh38, chr8:43,193,842, plus strand): 5'-ATGACCCCGAGGGCATCCTGGGCACCATCAACTCCATCGTGATGGCCTTTTTAGGAGTTC[AG>A]GTATTTGTTCATTTCATTAGGTTACTTTTTCTGACAATTTATGATATTTTATTCACTCAT-3'

ClinVar aggregate classification (germline): Pathogenic (1 of 4 stars; one submission).

Conditions:
Mucopolysaccharidosis, MPS-III-C (MPS3C). Also called: SANFILIPPO SYNDROME C; MPS III C; MPS IIIC (Sanfilippo Syndrome Type C); MUCOPOLYSACCHARIDOSIS, TYPE IIIC; Mucopolysaccharidosis type IIIC (Sanfilippo C); mucopolysaccharidosis type 3C. Identifiers: Orphanet 581, Orphanet 79271, MedGen C0086649, MONDO:0009657, OMIM 252930.
Retinitis pigmentosa 73 (RP73). Identifiers: Orphanet 791, MedGen C4225287, MONDO:0014687, OMIM 616544.

Submission:

Labcorp Genetics (formerly Invitae), Labcorp
Classification: Pathogenic for Retinitis pigmentosa 73; Mucopolysaccharidosis, MPS-III-C. Last evaluated: 2021-07-03. Review status: criteria provided, single submitter. Criteria: Invitae Variant Classification Sherloc (09022015). Collection method: clinical testing. Allele origin: germline.
Comment: For these reasons, this variant has been classified as Pathogenic. Algorithms developed to predict the effect of sequence changes on RNA splicing suggest that this variant may disrupt the consensus splice site. This variant has not been reported in the literature in individuals affected with HGSNAT-related conditions. This sequence change creates a premature translational stop signal (p.Ala489Glnfs*16) in the HGSNAT gene. It is expected to result in an absent or disrupted protein product. Loss-of-function variants in HGSNAT are known to be pathogenic (PMID: 17033958, 19479962). This variant is not present in population databases (ExAC no frequency).

Literature cited by the submitters: PubMed 17033958; PubMed 19479962.